The following is an entry in ClinVar:

ClinVar aggregate classification (germline): Uncertain significance (1 of 4 stars; one submission).

Allele frequency attached by ClinVar (database versions not stated): gnomAD exomes below 0.00001; gnomAD 0.00001; TOPMed 0.00001.

Submission:

Labcorp Genetics (formerly Invitae), Labcorp
Classification: Uncertain significance. Last evaluated: 2024-02-24. Review status: criteria provided, single submitter. Criteria: Invitae Variant Classification Sherloc (09022015). Collection method: clinical testing. Allele origin: germline.
Comment: This sequence change replaces methionine, which is neutral and non-polar, with valine, which is neutral and non-polar, at codon 16 of the GTF2H5 protein (p.Met16Val). This variant is not present in population databases (gnomAD no frequency). This variant has not been reported in the literature in individuals affected with GTF2H5-related conditions. ClinVar contains an entry for this variant (Variation ID: 1417697). An algorithm developed to predict the effect of missense changes on protein structure and function (PolyPhen-2) suggests that this variant is likely to be tolerated. In summary, the available evidence is currently insufficient to determine the role of this variant in disease. Therefore, it has been classified as a Variant of Uncertain Significance.

NM_207118.3(GTF2H5):c.46A>G (p.Met16Val)

Gene: GTF2H5 (general transcription factor IIH subunit 5; plus strand). Cytogenetic location: 6q25.3.
Variant type: single nucleotide variant.
Coding change: c.46A>G on transcript NM_207118.3 (MANE Select); coding-DNA position 46, A replaced by G.
Protein change: p.Met16Val; replaces methionine 16 with valine.
Molecular consequence: missense variant.
Genome position (GRCh38, 1-based): chr6:158,191,987, A>G. VCF-style: chr6-158191987-A-G. GRCh37 (hg19) VCF-style: chr6-158613019-A-G.
Other names: short protein forms M16V.
Identifiers: ClinVar variation 1417697 (VCV001417697.8), dbSNP rs991468010, ClinGen allele CA150918434.